The following is an entry in ClinVar:

NM_018979.4(WNK1):c.*1986G>A

Gene: WNK1 (WNK lysine deficient protein kinase 1; plus strand). Cytogenetic location: 12p13.33.
Variant type: single nucleotide variant.
Coding change: c.*1986G>A on transcript NM_018979.4 (MANE Select); 1986 bases downstream of the stop codon, G replaced by A.
Molecular consequence: 3 prime UTR variant.
Genome position (GRCh38, 1-based): chr12:910,778, G>A. VCF-style: chr12-910778-G-A. GRCh37 (hg19) VCF-style: chr12-1019944-G-A.
Other names: c.*1986G>A (NM_001184985.2, NM_014823.3, NM_213655.5).
Identifiers: ClinVar variation 306711 (VCV000306711.6), dbSNP rs2023944, ClinGen allele CA10642597.
Genomic context (GRCh38, chr12:910,778, plus strand): 5'-ACAGAAAGAGGCTGGAGGCTCCTGTACCCTGTTCATTCCTTAAGGGCCCTGCTTCCCTTA[G>A]TAAGTAAGTAAGTTGGTCTACGGCCCTAAATATGCAAATGAGAGCTGAAGGTTTTTAAAA-3'

ClinVar aggregate classification (germline): Benign. Review status: criteria provided, multiple submitters, no conflicts (2 of 4 stars). 2 submissions from 2 submitters: Benign (2). Last evaluated 2018-01-12.

Conditions:
Pseudohypoaldosteronism type 2C (PHA2C). Also called: Pseudohypoaldosteronism Type IIC. Identifiers: Orphanet 757, Orphanet 88940, MedGen C1840391, MONDO:0013778, OMIM 614492.

Allele frequency attached by ClinVar (database versions not stated): 1000 Genomes Project 30x 0.98688; 1000 Genomes Project 0.98722; TOPMed 0.98769; gnomAD 0.98853 and 0.98914; gnomAD exomes 0.99425.
gnomAD v4.1: 150,852 of 152,500 alleles (99%); highest among the groups gnomAD compares: East Asian, 100%; 74,632 homozygotes.

Submissions (2):

Illumina Laboratory Services, Illumina
Classification: Benign for Pseudohypoaldosteronism type 2C. Last evaluated: 2018-01-12. Review status: criteria provided, single submitter. Criteria: ICSL Variant Classification Criteria 13 December 2019. Collection method: clinical testing. Allele origin: germline.
Comment: This variant was observed in the ICSL laboratory as part of a predisposition screen in an ostensibly healthy population. It had not been previously curated by ICSL or reported in the Human Gene Mutation Database (HGMD: prior to June 1st, 2018), and was therefore a candidate for classification through an automated scoring system. Utilizing variant allele frequency, disease prevalence and penetrance estimates, and inheritance mode, an automated score was calculated to assess if this variant is too frequent to cause the disease. Based on the score and internal cut-off values, a variant classified as benign is not then subjected to further curation. The score for this variant resulted in a classification of benign for this disease.

Breakthrough Genomics
Classification: Benign. Review status: criteria provided, single submitter. Criteria: ACMG Guidelines, 2015. Collection method: not provided. Allele origin: germline. Inheritance: Autosomal recessive inheritance. Affected: yes.